The following is an entry in ClinVar:

NM_017636.4(TRPM4):c.272T>C (p.Leu91Pro)

Gene: TRPM4 (transient receptor potential cation channel subfamily M member 4; plus strand). Cytogenetic location: 19q13.33.
Variant type: single nucleotide variant.
Coding change: c.272T>C on transcript NM_017636.4 (MANE Select); coding-DNA position 272, T replaced by C.
Protein change: p.Leu91Pro; replaces leucine 91 with proline.
Molecular consequence: missense variant. On other transcripts: intron variant (4).
Genome position (GRCh38, 1-based): chr19:49,167,921, T>C. VCF-style: chr19-49167921-T-C. GRCh37 (hg19) VCF-style: chr19-49671178-T-C.
Other names: c.272T>C, p.Leu91Pro (NM_001195227.2); c.-1105-339T>C (NM_001321282.2); c.268-632T>C (NM_001321281.2); c.-74-339T>C (NM_001321283.2); c.-237-632T>C (NM_001321285.2); short protein forms L91P.
Identifiers: ClinVar variation 894616 (VCV000894616.5), dbSNP rs145677855, ClinGen allele CA309430625.
Genomic context (GRCh38, chr19:49,167,921, plus strand): 5'-CGTCTCTCTGGGTCTCTGTCCCCCTCCCTGTGTGCCCCGCTCCCATGTGTCCACAGTTCC[T>C]CCGGCTCTCTGACCGAACGGATCCAGCTGCAGTTTATAGTCTGGTCACACGCACATGGGG-3'
Protein context (NP_060106.2, residues 81-101): TGAGRKHSNF[Leu91Pro]RLSDRTDPAA

ClinVar aggregate classification (germline): Uncertain significance. Review status: criteria provided, multiple submitters, no conflicts (2 of 4 stars). 2 submissions from 2 submitters: Uncertain significance (2). Last evaluated 2025-02-20.

Conditions:
Cardiovascular phenotype. Identifiers: MedGen CN230736.
Progressive familial heart block type IB (PFHB1B). Identifiers: Orphanet 871, MedGen C1970298, MONDO:0011474, OMIM 604559.

Allele frequency attached by ClinVar (database versions not stated): gnomAD exomes below 0.00001; gnomAD 0.00001 and 0.00002; TOPMed 0.00002; ESP Exome Variant Server 0.00008.
gnomAD v4.1: 5 of 1,613,976 alleles (0.00031%); highest among the groups gnomAD compares: Non-Finnish European, 0.00042%; no homozygotes.

Submissions (2):

Ambry Genetics
Classification: Uncertain significance for Cardiovascular phenotype. Last evaluated: 2025-02-20. Review status: criteria provided, single submitter. Criteria: Ambry Variant Classification Scheme 2023. Collection method: clinical testing. Allele origin: germline.
Comment: The p.L91P variant (also known as c.272T>C), located in coding exon 4 of the TRPM4 gene, results from a T to C substitution at nucleotide position 272. The leucine at codon 91 is replaced by proline, an amino acid with similar properties. This amino acid position is conserved. In addition, this alteration is predicted to be deleterious by in silico analysis. Based on the available evidence, the clinical significance of this variant remains unclear.

Illumina Laboratory Services, Illumina
Classification: Uncertain significance for Progressive familial heart block type IB. Last evaluated: 2018-01-12. Review status: criteria provided, single submitter. Criteria: ICSL Variant Classification Criteria 13 December 2019. Collection method: clinical testing. Allele origin: germline.